The following is an entry in ClinVar:

ClinVar aggregate classification (germline): Uncertain significance (1 of 4 stars; one submission).

Conditions:
Primary familial hypertrophic cardiomyopathy (HCM). Identifiers: Orphanet 99739, MedGen C0949658, MeSH D024741, MONDO:0024573. Inheritance: Various modes of inheritance.

Submission:

Labcorp Genetics (formerly Invitae), Labcorp
Classification: Uncertain significance for Primary familial hypertrophic cardiomyopathy. Last evaluated: 2024-12-02. Review status: criteria provided, single submitter. Criteria: Invitae Variant Classification Sherloc (09022015). Collection method: clinical testing. Allele origin: germline.
Comment: This sequence change replaces asparagine, which is neutral and polar, with isoleucine, which is neutral and non-polar, at codon 236 of the ILK protein (p.Asn236Ile). This variant is not present in population databases (gnomAD no frequency). This variant has not been reported in the literature in individuals affected with ILK-related conditions. ClinVar contains an entry for this variant (Variation ID: 1954158). An algorithm developed to predict the effect of missense changes on protein structure and function (PolyPhen-2) suggests that this variant is likely to be tolerated. In summary, the available evidence is currently insufficient to determine the role of this variant in disease. Therefore, it has been classified as a Variant of Uncertain Significance.

NM_004517.4(ILK):c.707A>T (p.Asn236Ile)

Genes: ILK (integrin linked kinase; plus strand), TAF10 (TATA-box binding protein associated factor 10; minus strand). Cytogenetic location: 11p15.4.
Variant type: single nucleotide variant.
Coding change: c.707A>T on transcript NM_004517.4 (MANE Select); coding-DNA position 707, A replaced by T.
Protein change: p.Asn236Ile; replaces asparagine 236 with isoleucine.
Molecular consequence: missense variant. On other transcripts: 3 prime UTR variant (1).
Genome position (GRCh38, 1-based): chr11:6,609,387, A>T. VCF-style: chr11-6609387-A-T. GRCh37 (hg19) VCF-style: chr11-6630618-A-T.
Other names: c.707A>T, p.Asn236Ile (NM_001014794.3, NM_001014795.3); c.524A>T, p.Asn175Ile (NM_001278441.2); c.305A>T, p.Asn102Ile (NM_001278442.2); c.*1535T>A (NM_006284.4); short protein forms N236I, N102I, N175I.
Identifiers: ClinVar variation 1954158 (VCV001954158.5), dbSNP rs145571020, ClinGen allele CA379461853.